The following is an entry in ClinVar:

ClinVar aggregate classification (germline): Likely pathogenic (1 of 4 stars; one submission).

Conditions:
Autosomal recessive nonsyndromic hearing loss 7. Also called: DEAFNESS, AUTOSOMAL RECESSIVE 11. Identifiers: Orphanet 90636, MedGen C1832978, MONDO:0010967, OMIM 600974.

Submission:

Institute of Rare Diseases, West China Hospital, Sichuan University
Classification: Likely pathogenic for Autosomal recessive nonsyndromic hearing loss 7. Last evaluated: 2025-01-09. Review status: criteria provided, single submitter. Criteria: ClinGen HL ACMG Specifications v1. Collection method: research. Allele origin: germline. Affected: yes.
Comment: PVS1;PM2_Supporting

NM_138691.3(TMC1):c.861C>G (p.Tyr287Ter)

Gene: TMC1 (transmembrane channel like 1; plus strand). Cytogenetic location: 9q21.13.
Variant type: single nucleotide variant.
Coding change: c.861C>G on transcript NM_138691.3 (MANE Select); coding-DNA position 861, C replaced by G.
Protein change: p.Tyr287Ter; replaces tyrosine 287 with a stop codon.
Molecular consequence: nonsense.
Genome position (GRCh38, 1-based): chr9:72,772,532, C>G. VCF-style: chr9-72772532-C-G. GRCh37 (hg19) VCF-style: chr9-75387448-C-G.
Other names: short protein forms Y287*.
Identifiers: ClinVar variation 3601919 (VCV003601919.1).